The following is an entry in ClinVar:

NM_005559.4(LAMA1):c.6894C>G (p.Phe2298Leu)

Gene: LAMA1 (laminin subunit alpha 1; minus strand). Cytogenetic location: 18p11.31.
Variant type: single nucleotide variant.
Coding change: c.6894C>G on transcript NM_005559.4 (MANE Select); coding-DNA position 6894, C replaced by G.
Protein change: p.Phe2298Leu; replaces phenylalanine 2298 with leucine.
Molecular consequence: missense variant.
Genome position (GRCh38, 1-based): chr18:6,971,862, G>C on the plus strand (C>G on the coding strand, the complement: LAMA1 is on the minus strand). VCF-style: chr18-6971862-G-C. GRCh37 (hg19) VCF-style: chr18-6971861-G-C.
Other names: short protein forms F2298L.
Identifiers: ClinVar variation 2036971 (VCV002036971.4), dbSNP rs771092125, ClinGen allele CA401828042.

ClinVar aggregate classification (germline): Uncertain significance (1 of 4 stars; one submission).

Submission:

Labcorp Genetics (formerly Invitae), Labcorp
Classification: Uncertain significance. Last evaluated: 2024-12-02. Review status: criteria provided, single submitter. Criteria: Invitae Variant Classification Sherloc (09022015). Collection method: clinical testing. Allele origin: germline.
Comment: This sequence change replaces phenylalanine, which is neutral and non-polar, with leucine, which is neutral and non-polar, at codon 2298 of the LAMA1 protein (p.Phe2298Leu). This variant is not present in population databases (gnomAD no frequency). This variant has not been reported in the literature in individuals affected with LAMA1-related conditions. ClinVar contains an entry for this variant (Variation ID: 2036971). Invitae Evidence Modeling of protein sequence and biophysical properties (such as structural, functional, and spatial information, amino acid conservation, physicochemical variation, residue mobility, and thermodynamic stability) indicates that this missense variant is expected to disrupt LAMA1 protein function with a positive predictive value of 80%. Algorithms developed to predict the effect of sequence changes on RNA splicing suggest that this variant may disrupt the consensus splice site. In summary, the available evidence is currently insufficient to determine the role of this variant in disease. Therefore, it has been classified as a Variant of Uncertain Significance.